The following is an entry in ClinVar:

NM_001430.5(EPAS1):c.925A>C (p.Met309Leu)

Gene: EPAS1 (endothelial PAS domain protein 1; plus strand). Cytogenetic location: 2p21.
Variant type: single nucleotide variant.
Coding change: c.925A>C on transcript NM_001430.5 (MANE Select); coding-DNA position 925, A replaced by C.
Protein change: p.Met309Leu; replaces methionine 309 with leucine.
Molecular consequence: missense variant.
Genome position (GRCh38, 1-based): chr2:46,375,728, A>C. VCF-style: chr2-46375728-A-C. GRCh37 (hg19) VCF-style: chr2-46602867-A-C.
Other names: short protein forms M309L.
Identifiers: ClinVar variation 1766350 (VCV001766350.2), dbSNP rs2546470200, ClinGen allele CA346702701.

ClinVar aggregate classification (germline): Uncertain significance (1 of 4 stars; one submission).

Conditions:
Inborn genetic diseases. Identifiers: MedGen C0950123, MeSH D030342.

Allele frequency attached by ClinVar (database versions not stated): gnomAD exomes below 0.00001.
gnomAD v4.1: 2 of 1,614,084 alleles (0.00012%); highest among the groups gnomAD compares: South Asian, 0.0022%; no homozygotes.

Submission:

Ambry Genetics
Classification: Uncertain significance for Inborn genetic diseases. Last evaluated: 2021-10-16. Review status: criteria provided, single submitter. Criteria: Ambry Variant Classification Scheme 2023. Collection method: clinical testing. Allele origin: germline.
Comment: The p.M309L variant (also known as c.925A>C), located in coding exon 8 of the EPAS1 gene, results from an A to C substitution at nucleotide position 925. The methionine at codon 309 is replaced by leucine, an amino acid with highly similar properties. This amino acid position is conserved. In addition, the in silico prediction for this alteration is inconclusive. Since supporting evidence is limited at this time, the clinical significance of this alteration remains unclear.